The following is an entry in ClinVar:

NM_000257.4(MYH7):c.971A>G (p.Asp324Gly)

Gene: MYH7 (myosin heavy chain 7; minus strand). Cytogenetic location: 14q11.2.
Variant type: single nucleotide variant.
Coding change: c.971A>G on transcript NM_000257.4 (MANE Select); coding-DNA position 971, A replaced by G.
Protein change: p.Asp324Gly; replaces aspartic acid 324 with glycine.
Molecular consequence: missense variant.
Genome position (GRCh38, 1-based): chr14:23,430,588, T>C on the plus strand (A>G on the coding strand, the complement: MYH7 is on the minus strand). VCF-style: chr14-23430588-T-C. GRCh37 (hg19) VCF-style: chr14-23899797-T-C.
Other names: c.971A>G, p.Asp324Gly (NM_001407004.1); short protein forms D324G.
Identifiers: ClinVar variation 2091615 (VCV002091615.4), dbSNP rs2502308499, ClinGen allele CA389051649.

ClinVar aggregate classification (germline): Uncertain significance (1 of 4 stars; one submission).

Conditions:
Hypertrophic cardiomyopathy. Also called: HYPERTROPHIC MYOCARDIOPATHY. Identifiers: Orphanet 217569, MedGen C0007194, MeSH D002312, MONDO:0005045, HP:0001639.

Submission:

Labcorp Genetics (formerly Invitae), Labcorp
Classification: Uncertain significance for Hypertrophic cardiomyopathy. Last evaluated: 2022-02-01. Review status: criteria provided, single submitter. Criteria: Invitae Variant Classification Sherloc (09022015). Collection method: clinical testing. Allele origin: germline.
Comment: This sequence change replaces aspartic acid, which is acidic and polar, with glycine, which is neutral and non-polar, at codon 324 of the MYH7 protein (p.Asp324Gly). This variant is not present in population databases (gnomAD no frequency). In summary, the available evidence is currently insufficient to determine the role of this variant in disease. Therefore, it has been classified as a Variant of Uncertain Significance. This variant has not been reported in the literature in individuals affected with MYH7-related conditions. Algorithms developed to predict the effect of missense changes on protein structure and function are either unavailable or do not agree on the potential impact of this missense change (SIFT: "Deleterious"; PolyPhen-2: "Probably Damaging"; Align-GVGD: "Class C0"). Algorithms developed to predict the effect of sequence changes on RNA splicing suggest that this variant may create or strengthen a splice site. This variant is found within a region of MYH7 between codons 181 and 937 that contains the majority of the myosin head domain. Missense variants in this region have been shown to be significantly overrepresented in individuals with hypertrophic cardiomyopathy (PMID: 27532257).

Literature cited by the submitters: PubMed 27532257.